The following is an entry in ClinVar:

ClinVar aggregate classification (germline): Pathogenic/Likely pathogenic. Review status: criteria provided, multiple submitters, no conflicts (2 of 4 stars). 2 submissions from 2 submitters: Pathogenic (1); Likely pathogenic (1). Last evaluated 2025-09-12.

Conditions:
Primary ciliary dyskinesia. Also called: Ciliary dyskinesia. Identifiers: Orphanet 244, MedGen C0008780, MONDO:0016575, HP:0012265.

Submissions (2):

Natera, Inc.
Classification: Likely pathogenic for Primary ciliary dyskinesia. Last evaluated: 2025-09-12. Review status: criteria provided, single submitter. Criteria: Natera Variant Classification Schema (03/2026). Collection method: clinical testing. Allele origin: germline.
Comment: The c.9605+1del variant in DNAH5 is a canonical splice donor site variant predicted to affect pre-mRNA splicing, which may result in an abnormal transcript and altered protein product. This variant is expected to result in nonsense mediated decay, truncation, or a dysfunctional protein product. This variant is rare in the general population with a frequency below the threshold expected for the associated phenotype(s). Given the available evidence, this variant is classified as Likely Pathogenic.

Labcorp Genetics (formerly Invitae), Labcorp
Classification: Pathogenic for Primary ciliary dyskinesia. Last evaluated: 2022-09-05. Review status: criteria provided, single submitter. Criteria: Invitae Variant Classification Sherloc (09022015). Collection method: clinical testing. Allele origin: germline.
Comment: This sequence change creates a premature translational stop signal (p.Arg3202Lysfs*2) in the DNAH5 gene. It is expected to result in an absent or disrupted protein product. Loss-of-function variants in DNAH5 are known to be pathogenic (PMID: 11788826, 16627867). For these reasons, this variant has been classified as Pathogenic. Algorithms developed to predict the effect of sequence changes on RNA splicing suggest that this variant may disrupt the consensus splice site. This variant is also known as c.9605+1del. This variant has not been reported in the literature in individuals affected with DNAH5-related conditions. This variant is not present in population databases (gnomAD no frequency).

Literature cited by the submitters: PubMed 11788826 (cited by Labcorp Genetics (formerly Invitae), Labcorp); PubMed 16627867 (cited by Labcorp Genetics (formerly Invitae), Labcorp).

NM_001369.3(DNAH5):c.9605+1del

Gene: DNAH5 (dynein axonemal heavy chain 5; minus strand). Cytogenetic location: 5p15.2.
Variant type: Deletion.
Coding change: c.9605+1del on transcript NM_001369.3 (MANE Select); the canonical splice donor site of the intron after coding-DNA position 9605, one base deleted (G; older notation c.9605+1delG).
Molecular consequence: splice donor variant.
Genome position (GRCh38, 1-based): chr5:13,770,748, C deleted on the plus strand (G on the coding strand, the reverse complement: DNAH5 is on the minus strand); the first of 2 consecutive C bases (chr5:13,770,748-13,770,749); deleting either gives the same sequence. VCF-style (leftmost placement, unchanged base first): chr5-13770747-AC-A. GRCh37 (hg19) VCF-style: chr5-13770856-AC-A.
Other names: c.9605+1del (NM_001369.2).
Identifiers: ClinVar variation 1916263 (VCV001916263.6), dbSNP rs2546662562, ClinGen allele CA2580072354.